The following is an entry in ClinVar:

ClinVar aggregate classification (germline): Uncertain significance (1 of 4 stars; one submission).

Submission:

Women's Health and Genetics/Laboratory Corporation of America, LabCorp
Classification: Uncertain significance. Last evaluated: 2021-03-15. Review status: criteria provided, single submitter. Criteria: LabCorp Variant Classification Summary - May 2015. Collection method: clinical testing. Allele origin: germline.
Comment: Variant summary: A2ML1 c.1750G>A (p.Ala584Thr) results in a non-conservative amino acid change located in the Alpha-2-macroglobulin, bait region domain (IPR011625) of the encoded protein sequence. Three of five in-silico tools predict a damaging effect of the variant on protein function. The variant was absent in 248804 control chromosomes (gnomAD). The available data on variant occurrences in the general population are insufficient to allow any conclusion about variant significance. To our knowledge, no occurrence of c.1750G>A in individuals affected with Noonan Syndrome and no experimental evidence demonstrating its impact on protein function have been reported. No clinical diagnostic laboratories have submitted clinical-significance assessments for this variant to ClinVar after 2014. Based on the evidence outlined above, the variant was classified as uncertain significance.

NM_144670.6(A2ML1):c.1750G>A (p.Ala584Thr)

Gene: A2ML1 (alpha-2-macroglobulin like 1; plus strand). Cytogenetic location: 12p13.31.
Variant type: single nucleotide variant.
Coding change: c.1750G>A on transcript NM_144670.6 (MANE Select); coding-DNA position 1750, G replaced by A.
Protein change: p.Ala584Thr; replaces alanine 584 with threonine.
Molecular consequence: missense variant.
Genome position (GRCh38, 1-based): chr12:8,847,615, G>A. VCF-style: chr12-8847615-G-A. GRCh37 (hg19) VCF-style: chr12-9000211-G-A.
Other names: c.277G>A, p.Ala93Thr (NM_001282424.3); short protein forms A584T, A93T.
Identifiers: ClinVar variation 1027593 (VCV001027593.1), dbSNP rs1943737655, ClinGen allele CA383829517.
Genomic context (GRCh38, chr12:8,847,615, plus strand): 5'-CTTGGCTTCTCCCCCTCCCAGCAGCTTCCAGGAGCAGAAGTGGAGCTGCAGCTGCAGGCA[G>A]CTCCCGGATCCCTGTGTGCGCTCCGGGCGGTGGATGAGAGTGTCTTACTGCTTAGGCCAG-3'
Protein context (NP_653271.3, residues 574-594): GAEVELQLQA[Ala584Thr]PGSLCALRAV